The following is an entry in ClinVar:

NM_000179.3(MSH6):c.2569del (p.Asp857fs)

Gene: MSH6 (mutS homolog 6; plus strand). Cytogenetic location: 2p16.3.
Variant type: Deletion.
Coding change: c.2569del on transcript NM_000179.3 (MANE Select); coding-DNA position 2569, one base deleted (G; older notation c.2569delG).
Protein change: p.Asp857fs; shifts the reading frame from aspartic acid 857.
Molecular consequence: frameshift variant.
Genome position (GRCh38, 1-based): chr2:47,800,552, G deleted. VCF-style (leftmost placement, unchanged base first): chr2-47800551-TG-T. GRCh37 (hg19) VCF-style: chr2-48027690-TG-T.
Other names: c.2179del, p.Asp727fs (NM_001281492.2); c.1663del, p.Asp555fs (NM_001281493.2, NM_001281494.2); c.2665delG, p.Asp889Ilefs (NM_001406795.1, NM_001406802.1); c.2569delG, p.Asp857Ilefs (NM_001406796.1, NM_001406798.1, NM_001406800.1 and 2 more transcripts); c.2272delG, p.Asp758Ilefs (NM_001406797.1, NM_001406801.1, NM_001406805.1 and 10 more transcripts); c.2044delG, p.Asp682Ilefs (NM_001406799.1, NM_001406806.1, NM_001406807.1); c.2491delG, p.Asp831Ilefs (NM_001406804.1); c.1663delG, p.Asp555Ilefs (NM_001406811.1, NM_001406812.1, NM_001406814.1 and 4 more transcripts); and 2 more; short protein forms D857fs, D555fs, D727fs.
Identifiers: ClinVar variation 1793196 (VCV001793196.2), dbSNP rs2530680426, ClinGen allele CA2580067951.

ClinVar aggregate classification (germline): Pathogenic (1 of 4 stars; one submission).

Conditions:
Hereditary cancer-predisposing syndrome. Also called: Tumor predisposition; Hereditary Cancer Syndrome; Neoplastic Syndromes, Hereditary; Hereditary neoplastic syndrome. Identifiers: Orphanet 140162, MedGen C0027672, MeSH D009386, MONDO:0015356.

Submission:

Ambry Genetics
Classification: Pathogenic for Hereditary cancer-predisposing syndrome. Last evaluated: 2018-01-09. Review status: criteria provided, single submitter. Criteria: Ambry Variant Classification Scheme 2023. Collection method: clinical testing. Allele origin: germline.
Comment: The c.2569delG pathogenic mutation, located in coding exon 4 of the MSH6 gene, results from a deletion of one nucleotide at nucleotide position 2569, causing a translational frameshift with a predicted alternate stop codon (p.D857Ifs*11). This alteration is expected to result in loss of function by premature protein truncation or nonsense-mediated mRNA decay. As such, this alteration is interpreted as a disease-causing mutation.